The following is an entry in ClinVar:

NM_004444.5(EPHB4):c.1691+8C>A

Gene: EPHB4 (EPH receptor B4; minus strand). Cytogenetic location: 7q22.1.
Variant type: single nucleotide variant.
Coding change: c.1691+8C>A on transcript NM_004444.5 (MANE Select); 8 bases into the intron after coding-DNA position 1691, C replaced by A.
Molecular consequence: intron variant.
Genome position (GRCh38, 1-based): chr7:100,813,911, G>T on the plus strand (C>A on the coding strand, the complement: EPHB4 is on the minus strand). VCF-style: chr7-100813911-G-T. GRCh37 (hg19) VCF-style: chr7-100411533-G-T.
Identifiers: ClinVar variation 3029977 (VCV003029977.2), dbSNP rs1021507584, ClinGen allele CA163280390.

ClinVar aggregate classification (germline): Likely benign (0 of 4 stars; one submission).

Conditions:
EPHB4-related disorder. Also called: EPHB4-related disorders; EPHB4-related condition.

Allele frequency attached by ClinVar (database versions not stated): TOPMed below 0.00001.

Submission:

PreventionGenetics, part of Exact Sciences
Classification: Likely benign for EPHB4-related condition. Last evaluated: 2021-11-23. Review status: no assertion criteria provided. Collection method: clinical testing. Allele origin: germline.
Comment: This variant is classified as likely benign based on ACMG/AMP sequence variant interpretation guidelines (Richards et al. 2015 PMID: 25741868, with internal and published modifications).